The following is an entry in ClinVar:

NM_007294.4(BRCA1):c.2248_2252del (p.Leu750fs)

Gene: BRCA1 (BRCA1 DNA repair associated; minus strand). Cytogenetic location: 17q21.31.
Variant type: Deletion.
Coding change: c.2248_2252del on transcript NM_007294.4 (MANE Select); coding-DNA positions 2248 to 2252, 5 bases deleted (CTCAT; older notation c.2248_2252delCTCAT).
Protein change: p.Leu750fs; shifts the reading frame from leucine 750.
Molecular consequence: frameshift variant. On other transcripts: intron variant (137).
Genome position (GRCh38, 1-based): chr17:43,093,279-43,093,283, ATGAG deleted on the plus strand (CTCAT on the coding strand, the reverse complement: BRCA1 is on the minus strand); deleting any 5 consecutive bases within chr17:43,093,279-43,093,285 gives the same sequence; the c. name uses the placement nearest the transcript's 3' end. VCF-style (leftmost placement, unchanged base first): chr17-43093278-CATGAG-C. GRCh37 (hg19) VCF-style: chr17-41245295-CATGAG-C.
Other names: c.2248_2252delCTCAT (NM_007294.3); c.2035_2039del, p.Leu679fs (NM_001407916.1, NM_001407917.1, NM_001407918.1 and 9 more transcripts); c.2125_2129del, p.Leu709fs (NM_001407919.1, NM_001407937.1, NM_001407938.1 and 19 more transcripts); c.1984_1988del, p.Leu662fs (NM_001407920.1, NM_001407921.1, NM_001407922.1 and 9 more transcripts); c.1981_1985del, p.Leu661fs (NM_001407930.1, NM_001407931.1, NM_001407932.1 and 2 more transcripts); c.2122_2126del, p.Leu708fs (NM_001407940.1, NM_001407941.1, NM_001407649.1 and 11 more transcripts); c.2107_2111del, p.Leu703fs (NM_001407942.1, NM_001407944.1, NM_001407945.1 and 29 more transcripts); c.2104_2108del, p.Leu702fs (NM_001407943.1, NM_001407964.1, NM_001407740.1 and 20 more transcripts); and 42 more; short protein forms L703fs, L750fs, L623fs, L639fs, L662fs, L724fs, L454fs, L661fs.
Identifiers: ClinVar variation 54513 (VCV000054513.5), dbSNP rs397508954, ClinGen allele CA001507.

ClinVar aggregate classification (germline): Pathogenic. Review status: reviewed by expert panel (3 of 4 stars). 2 submissions from 2 submitters: Pathogenic (1). 1 of the submissions does not count toward it. Last evaluated 2017-12-15.

Conditions:
Breast-ovarian cancer, familial, susceptibility to, 1 (BROVCA1). Also called: OVARIAN CANCER, SUSCEPTIBILITY TO; BRCA1 Hereditary Breast and Ovarian Cancer. Identifiers: Orphanet 145, MedGen C2676676, MONDO:0011450, OMIM 604370. Disease mechanism: loss of function.

Submissions (2):

Evidence-based Network for the Interpretation of Germline Mutant Alleles (ENIGMA)
Classification: Pathogenic for Breast-ovarian cancer, familial, susceptibility to, 1. Last evaluated: 2017-12-15. Review status: reviewed by expert panel. Criteria: ENIGMA BRCA1/2 Classification Criteria (2017-06-29). Collection method: curation. Allele origin: germline. Study: ENIGMA.
Comment: Variant allele predicted to encode a truncated non-functional protein.

Molecular Genetics Laboratory, University of Michigan
Classification: Pathogenic for Breast-ovarian cancer, familial, susceptibility to, 1. Last evaluated: 2016-04-21. Review status: criteria provided, single submitter. Criteria: ACMG Guidelines, 2015. Collection method: clinical testing. Allele origin: germline. Affected: yes. Not counted in ClinVar's aggregate classification.